The following is an entry in ClinVar:

NM_001042517.2(DIAPH3):c.3339G>A (p.Leu1113=)

Gene: DIAPH3 (diaphanous related formin 3; minus strand). Cytogenetic location: 13q21.2.
Variant type: single nucleotide variant.
Coding change: c.3339G>A on transcript NM_001042517.2 (MANE Select); coding-DNA position 3339, G replaced by A.
Protein change: p.Leu1113=; no amino-acid change (leucine 1113 retained).
Molecular consequence: synonymous variant.
Genome position (GRCh38, 1-based): chr13:59,666,827, C>T on the plus strand (G>A on the coding strand, the complement: DIAPH3 is on the minus strand). VCF-style: chr13-59666827-C-T. GRCh37 (hg19) VCF-style: chr13-60240961-C-T.
Other names: p.Leu1113=; c.3306G>A, p.Leu1102= (NM_001258366.2); c.3201G>A, p.Leu1067= (NM_001258367.2); c.3129G>A, p.Leu1043= (NM_001258368.2).
Identifiers: ClinVar variation 517823 (VCV000517823.11), dbSNP rs9538494, ClinGen allele CA6996055.

ClinVar aggregate classification (germline): Benign. Review status: criteria provided, multiple submitters, no conflicts (2 of 4 stars). 4 submissions from 4 submitters: Benign (4). Last evaluated 2026-02-04.

Allele frequency attached by ClinVar (database versions not stated): 1000 Genomes Project 30x 0.14600; 1000 Genomes Project 0.14696; TOPMed 0.18230; gnomAD 0.18323 and 0.18387; gnomAD exomes 0.20260 and 0.24513; ESP Exome Variant Server 0.20298; ExAC 0.20412.
gnomAD v4.1: 385,742 of 1,613,646 alleles (24%); highest among the groups gnomAD compares: Non-Finnish European, 27%; 49,116 homozygotes.

Submissions (4):

Labcorp Genetics (formerly Invitae), Labcorp
Classification: Benign. Last evaluated: 2026-02-04. Review status: criteria provided, single submitter. Criteria: Invitae Variant Classification Sherloc (09022015). Collection method: clinical testing. Allele origin: germline.

Mayo Clinic Laboratories, Mayo Clinic
Classification: Benign. Last evaluated: 2020-06-17. Review status: criteria provided, single submitter. Criteria: ACMG Guidelines, 2015. Collection method: clinical testing. Allele origin: germline. Observed: 67 variant alleles.

GeneDx
Classification: Benign. Last evaluated: 2017-05-09. Review status: criteria provided, single submitter. Criteria: GeneDx Variant Classification (06012015). Collection method: clinical testing. Allele origin: germline. Affected: yes.
Comment: This variant is considered likely benign or benign based on one or more of the following criteria: it is a conservative change, it occurs at a poorly conserved position in the protein, it is predicted to be benign by multiple in silico algorithms, and/or has population frequency not consistent with disease.

Breakthrough Genomics
Classification: Benign. Review status: criteria provided, single submitter. Criteria: ACMG Guidelines, 2015. Collection method: not provided. Allele origin: germline. Inheritance: Autosomal dominant inheritance. Affected: yes.